The following is an entry in ClinVar:

ClinVar aggregate classification (germline): Uncertain significance (1 of 4 stars; one submission).

Conditions:
Congenital myasthenic syndrome 13 (CMS13). Also called: Myasthenic syndrome, congenital, with tubular aggregates 2; Myasthenic syndrome, congenital, 13, with tubular aggregates. Identifiers: Orphanet 353327, Orphanet 590, MedGen C3553645, MONDO:0013883, OMIM 614750.
DPAGT1-congenital disorder of glycosylation. Also called: DPAGT1-CDG; CONGENITAL DISORDER OF GLYCOSYLATION, TYPE Ij; CDG Ij. Identifiers: Orphanet 86309, MedGen C2931004, MONDO:0011964, OMIM 608093.

Submission:

Labcorp Genetics (formerly Invitae), Labcorp
Classification: Uncertain significance for Congenital myasthenic syndrome 13; DPAGT1-congenital disorder of glycosylation. Last evaluated: 2022-08-23. Review status: criteria provided, single submitter. Criteria: Invitae Variant Classification Sherloc (09022015). Collection method: clinical testing. Allele origin: germline.
Comment: In summary, the available evidence is currently insufficient to determine the role of this variant in disease. Therefore, it has been classified as a Variant of Uncertain Significance. Algorithms developed to predict the effect of missense changes on protein structure and function are either unavailable or do not agree on the potential impact of this missense change (SIFT: "Tolerated"; PolyPhen-2: "Possibly Damaging"; Align-GVGD: "Class C0"). ClinVar contains an entry for this variant (Variation ID: 1484030). This variant has not been reported in the literature in individuals affected with DPAGT1-related conditions. This variant is not present in population databases (gnomAD no frequency). This sequence change replaces aspartic acid, which is acidic and polar, with asparagine, which is neutral and polar, at codon 407 of the DPAGT1 protein (p.Asp407Asn).

NM_001382.4(DPAGT1):c.1219G>A (p.Asp407Asn)

Gene: DPAGT1 (dolichyl-phosphate N-acetylglucosaminephosphotransferase 1; minus strand). Cytogenetic location: 11q23.3.
Variant type: single nucleotide variant.
Coding change: c.1219G>A on transcript NM_001382.4 (MANE Select); coding-DNA position 1219, G replaced by A.
Protein change: p.Asp407Asn; replaces aspartic acid 407 with asparagine.
Molecular consequence: missense variant.
Genome position (GRCh38, 1-based): chr11:119,097,006, C>T on the plus strand (G>A on the coding strand, the complement: DPAGT1 is on the minus strand). VCF-style: chr11-119097006-C-T. GRCh37 (hg19) VCF-style: chr11-118967716-C-T.
Other names: short protein forms D407N.
Identifiers: ClinVar variation 1484030 (VCV001484030.6), dbSNP rs2134897091, ClinGen allele CA382907244.